The following is an entry in ClinVar:

NM_000287.4(PEX6):c.1558C>T (p.Arg520Cys)

Gene: PEX6 (peroxisomal biogenesis factor 6; minus strand). Cytogenetic location: 6p21.1.
Variant type: single nucleotide variant.
Coding change: c.1558C>T on transcript NM_000287.4 (MANE Select); coding-DNA position 1558, C replaced by T.
Protein change: p.Arg520Cys; replaces arginine 520 with cysteine.
Molecular consequence: missense variant. On other transcripts: non-coding transcript variant (1).
Genome position (GRCh38, 1-based): chr6:42,968,420, G>A on the plus strand (C>T on the coding strand, the complement: PEX6 is on the minus strand). VCF-style: chr6-42968420-G-A. GRCh37 (hg19) VCF-style: chr6-42936158-G-A.
Other names: c.1294C>T, p.Arg432Cys (NM_001316313.2); short protein forms R432C, R520C.
Identifiers: ClinVar variation 836164 (VCV000836164.6), dbSNP rs530370123, ClinGen allele CA3811295.

ClinVar aggregate classification (germline): Uncertain significance (1 of 4 stars; one submission).

Conditions:
Peroxisome biogenesis disorder. Identifiers: Orphanet 79189, MedGen C1832200, MONDO:0019234. Disease mechanism: loss of function.

Allele frequency attached by ClinVar (database versions not stated): gnomAD 0.00001; gnomAD exomes 0.00001; ExAC 0.00002; 1000 Genomes Project 0.00020.

Submission:

Labcorp Genetics (formerly Invitae), Labcorp
Classification: Uncertain significance for Peroxisome biogenesis disorder. Last evaluated: 2021-08-31. Review status: criteria provided, single submitter. Criteria: Invitae Variant Classification Sherloc (09022015). Collection method: clinical testing. Allele origin: germline.
Comment: This sequence change replaces arginine with cysteine at codon 520 of the PEX6 protein (p.Arg520Cys). The arginine residue is weakly conserved and there is a large physicochemical difference between arginine and cysteine. This variant is present in population databases (rs530370123, ExAC 0.007%). This variant has not been reported in the literature in individuals affected with PEX6-related conditions. Algorithms developed to predict the effect of missense changes on protein structure and function (SIFT, PolyPhen-2, Align-GVGD) all suggest that this variant is likely to be tolerated. In summary, the available evidence is currently insufficient to determine the role of this variant in disease. Therefore, it has been classified as a Variant of Uncertain Significance.